The following is an entry in ClinVar:

NM_194248.3(OTOF):c.5369A>G (p.Asn1790Ser)

Gene: OTOF (otoferlin; minus strand). Cytogenetic location: 2p23.3.
Variant type: single nucleotide variant.
Coding change: c.5369A>G on transcript NM_194248.3 (MANE Select); coding-DNA position 5369, A replaced by G.
Protein change: p.Asn1790Ser; replaces asparagine 1790 with serine.
Molecular consequence: missense variant.
Genome position (GRCh38, 1-based): chr2:26,461,860, T>C on the plus strand (A>G on the coding strand, the complement: OTOF is on the minus strand). VCF-style: chr2-26461860-T-C. GRCh37 (hg19) VCF-style: chr2-26684728-T-C.
Other names: c.5369A>G, p.Asn1790Ser (NM_001287489.2); c.3068A>G, p.Asn1023Ser (NM_004802.4, NM_194323.3); c.3299A>G, p.Asn1100Ser (NM_194322.3); short protein forms N1100S, N1790S, N1023S.
Identifiers: ClinVar variation 1520996 (VCV001520996.6), dbSNP rs965017813, ClinGen allele CA346131600.
Genomic context (GRCh38, chr2:26,461,860, plus strand): 5'-TTGGAGATGACGATCTTCTCCTCCGCCGCCAGGTAGTCGAAGGGGAACAGGTAGCGCCAG[T>C]TGAAGTTGCCCTCGCCAGTGAGGGAGTGGTAGTGGACGTCTGTGTCCTGCTTGTCCTCCT-3'
Protein context (NP_919224.1, residues 1780-1800): YHSLTGEGNF[Asn1790Ser]WRYLFPFDYL

ClinVar aggregate classification (germline): Uncertain significance. Review status: criteria provided, multiple submitters, no conflicts (2 of 4 stars). 2 submissions from 2 submitters: Uncertain significance (2). Last evaluated 2024-10-02.

Allele frequency attached by ClinVar (database versions not stated): gnomAD exomes below 0.00001.

Submissions (2):

GeneDx
Classification: Uncertain significance. Last evaluated: 2024-10-02. Review status: criteria provided, single submitter. Criteria: GeneDx Variant Classification Process June 2021. Collection method: clinical testing. Allele origin: germline. Affected: yes.
Comment: Not observed at significant frequency in large population cohorts (gnomAD); In silico analysis supports that this missense variant has a deleterious effect on protein structure/function; Has not been previously published as pathogenic or benign to our knowledge

Labcorp Genetics (formerly Invitae), Labcorp
Classification: Uncertain significance. Last evaluated: 2022-07-06. Review status: criteria provided, single submitter. Criteria: Invitae Variant Classification Sherloc (09022015). Collection method: clinical testing. Allele origin: germline.
Comment: This sequence change replaces asparagine, which is neutral and polar, with serine, which is neutral and polar, at codon 1790 of the OTOF protein (p.Asn1790Ser). This variant is present in population databases (no rsID available, gnomAD 0.003%). This variant has not been reported in the literature in individuals affected with OTOF-related conditions. ClinVar contains an entry for this variant (Variation ID: 1520996). Algorithms developed to predict the effect of missense changes on protein structure and function are either unavailable or do not agree on the potential impact of this missense change (SIFT: "Deleterious"; PolyPhen-2: "Benign"; Align-GVGD: "Class C45"). In summary, the available evidence is currently insufficient to determine the role of this variant in disease. Therefore, it has been classified as a Variant of Uncertain Significance.